The following continues an entry in ClinVar:

NM_000059.4(BRCA2):c.3785C>G (p.Ser1262Ter)

Gene: BRCA2. ClinVar aggregate classification (germline): Pathogenic. Pathogenic (1).

Submissions 12 to 20 of 20:

Women's Health and Genetics/Laboratory Corporation of America, LabCorp
Classification: Pathogenic for Hereditary breast and ovarian cancer syndrome. Last evaluated: 2020-09-03. Review status: criteria provided, single submitter. Criteria: LabCorp Variant Classification Summary - May 2015. Collection method: clinical testing. Allele origin: germline. Not counted in ClinVar's aggregate classification.
Comment: Variant summary: BRCA2 c.3785C>G (p.Ser1262X) results in a premature termination codon, predicted to cause a truncation of the encoded protein or absence of the protein due to nonsense mediated decay, which are commonly known mechanisms for disease. Truncations downstream of this position have been classified as pathogenic by our laboratory. The variant allele was found at a frequency of 4.1e-06 in 245754 control chromosomes (gnomAD and publication data). c.3785C>G has been reported in the literature in multiple individuals affected with Hereditary Breast And Ovarian Cancer Syndrome (Coulet_2010, Song_2014, Rebbeck_2018). These data indicate that the variant is very likely to be associated with disease. To our knowledge, no experimental evidence demonstrating an impact on protein function has been reported. Ten ClinVar submitters (evaluation after 2014), including one expert panel (ENIGMA), cite the variant as pathogenic. Based on the evidence outlined above, the variant was classified as pathogenic.

Laboratory for Molecular Medicine, Mass General Brigham Personalized Medicine
Classification: Pathogenic for Hereditary breast ovarian cancer syndrome. Last evaluated: 2019-10-14. Review status: criteria provided, single submitter. Criteria: ACMG Guidelines, 2015. Collection method: clinical testing. Allele origin: germline. Not counted in ClinVar's aggregate classification.
Comment: The p.Ser1262X variant in BRCA2 has been reported in at least 6 individuals with BRCA2-related cancers (Song 2014, de Juan Jimenez 2013, Loughrey 2008, BIC database). It has also been identified in 1/110430 European chromosomes by gnomAD; however, this frequency is low enough to be consistent with the frequency of hereditary breast and ovarian cancer (HBOC) in the general population. This variant leads to a premature termination codon at position 1262, which is predicted to lead to a truncated or absent protein. Loss of function of the BRCA2 gene is an established disease mechanism in autosomal dominant hereditary breast and ovarian cancer syndrome (HBOC). Additionally, this variant was classified as Pathogenic on Apr 22, 2016 by the ClinGen-approved ENIGMA expert panel (Variation ID: 51525). In summary, this variant meets criteria to be classified as pathogenic for autosomal dominant HBOC. ACMG/AMP Criteria applied: PVS1, PM2, PS4_Moderate.

HudsonAlpha Institute for Biotechnology
Classification: Pathogenic for Breast-ovarian cancer, familial, susceptibility to, 2. Last evaluated: 2019-05-23. Review status: criteria provided, single submitter. Criteria: ACMG Guidelines, 2015. Collection method: research. Allele origin: unknown. Observed: 1 variant allele. Study: AGHI_GT. Not counted in ClinVar's aggregate classification.

Consortium of Investigators of Modifiers of BRCA1/2 (CIMBA), c/o University of Cambridge
Classification: Pathogenic for Breast-ovarian cancer, familial, susceptibility to, 2. Last evaluated: 2015-10-02. Review status: criteria provided, single submitter. Criteria: CIMBA Mutation Classification guidelines May 2016. Collection method: clinical testing. Allele origin: germline. Not counted in ClinVar's aggregate classification.

True Health Diagnostics
Classification: Pathogenic for Hereditary cancer-predisposing syndrome. Last evaluated: 2018-04-09. Review status: no assertion criteria provided. Collection method: clinical testing. Allele origin: germline. Not counted in ClinVar's aggregate classification.

Counsyl
Classification: Pathogenic for Breast-ovarian cancer, familial, susceptibility to, 2. Last evaluated: 2018-04-02. Review status: no assertion criteria provided. Collection method: clinical testing. Allele origin: unknown. Not counted in ClinVar's aggregate classification.

Sharing Clinical Reports Project (SCRP)
Classification: Pathogenic for Breast-ovarian cancer, familial 2. Last evaluated: 2012-04-30. Review status: no assertion criteria provided. Collection method: clinical testing. Allele origin: germline. Not counted in ClinVar's aggregate classification.

Breast Cancer Information Core (BIC) (BRCA2)
Classification: Pathogenic for Breast-ovarian cancer, familial 2. Review status: no assertion criteria provided. Collection method: clinical testing. Allele origin: germline. Affected: yes. Observed: 3 variant alleles. Not counted in ClinVar's aggregate classification.

Department of Pathology and Laboratory Medicine, Sinai Health System
Classification: Uncertain significance. Review status: flagged submission. Collection method: clinical testing. Allele origin: unknown. Affected: yes. Observed: 1 variant allele. Study: The Canadian Open Genetics Repository (COGR). Not counted in ClinVar's aggregate classification.
ClinVar note: Reason: Outlier claim with insufficient supporting evidence

Literature cited by the submitters: PubMed 20104584 (cited by Labcorp Genetics (formerly Invitae), Labcorp and GeneKor MSA); PubMed 24728189 (cited by 8 submitters); PubMed 23479189 (cited by 3 submitters); PubMed 18446624 (cited by 5 submitters); PubMed 32073954 (cited by GeneKor MSA and Quest Diagnostics Nichols Institute San Juan Capistrano); PubMed 31451522 (cited by 3 submitters); PubMed 33471991 (cited by 3 submitters); PubMed 29922827 (cited by Quest Diagnostics Nichols Institute San Juan Capistrano); PubMed 34308104 (cited by Quest Diagnostics Nichols Institute San Juan Capistrano); PubMed 20858050 (cited by Quest Diagnostics Nichols Institute San Juan Capistrano and Women's Health and Genetics/Laboratory Corporation of America, LabCorp); PubMed 21702907 (cited by Quest Diagnostics Nichols Institute San Juan Capistrano and Women's Health and Genetics/Laboratory Corporation of America, LabCorp); PubMed 29446198 (cited by 3 submitters); PubMed 20167696 (cited by Women's Health and Genetics/Laboratory Corporation of America, LabCorp).